The following is an entry in ClinVar:

ClinVar aggregate classification (germline): Uncertain significance (1 of 4 stars; one submission).

gnomAD v4.1: 1 of 1,531,274 alleles (0.000065%); highest among the groups gnomAD compares: Non-Finnish European, 0.000087%; no homozygotes.

Submission:

GeneDx
Classification: Uncertain significance. Last evaluated: 2025-03-25. Review status: criteria provided, single submitter. Criteria: GeneDx Variant Classification Process June 2021. Collection method: clinical testing. Allele origin: germline. Affected: yes.
Comment: Not observed at significant frequency in large population cohorts (gnomAD); In silico analysis supports that this missense variant has a deleterious effect on protein structure/function; Has not been previously published as pathogenic or benign to our knowledge

NM_138383.3(MTSS2):c.229G>A (p.Ala77Thr)

Gene: MTSS2 (MTSS I-BAR domain containing 2; minus strand). Cytogenetic location: 16q22.1.
Variant type: single nucleotide variant.
Coding change: c.229G>A on transcript NM_138383.3 (MANE Select); coding-DNA position 229, G replaced by A.
Protein change: p.Ala77Thr; replaces alanine 77 with threonine.
Molecular consequence: missense variant.
Genome position (GRCh38, 1-based): chr16:70,680,032, C>T on the plus strand (G>A on the coding strand, the complement: MTSS2 is on the minus strand). VCF-style: chr16-70680032-C-T. GRCh37 (hg19) VCF-style: chr16-70713935-C-T.
Other names: short protein forms A77T.
Identifiers: ClinVar variation 4087998 (VCV004087998.1).